The following is an entry in ClinVar:

ClinVar aggregate classification (germline): Conflicting classifications of pathogenicity. Review status: criteria provided, conflicting classifications (1 of 4 stars). 9 submissions from 9 submitters: Uncertain significance (1); Benign (3); Likely benign (5). Last evaluated 2026-08-01.

Conditions:
Autosomal recessive disease. Identifiers: MedGen C0265388, MONDO:0006025.
Mitochondrial complex V (ATP synthase) deficiency, nuclear type 2. Also called: MITOCHONDRIAL COMPLEX V (ATP SYNTHASE) DEFICIENCY, TMEM70 TYPE; ENCEPHALOCARDIOMYOPATHY, MITOCHONDRIAL, NEONATAL, DUE TO ATP SYNTHASE DEFICIENCY; Nuclear-Encoded ATPase Deficiency, TMEM70-Related. Identifiers: Orphanet 1194, MedGen C3279699, MONDO:0013546, OMIM 614052.

Allele frequency attached by ClinVar (database versions not stated): 1000 Genomes Project 0.00060; 1000 Genomes Project 30x 0.00094; gnomAD 0.00227 and 0.00230; gnomAD exomes 0.00241; TOPMed 0.00245; ExAC 0.00278; ESP Exome Variant Server 0.00292.
gnomAD v4.1: 5,473 of 1,613,134 alleles (0.34%); highest among the groups gnomAD compares: Middle Eastern, 0.5%; 19 homozygotes.

Submissions (9):

CeGaT Center for Human Genetics Tuebingen
Classification: Likely benign. Last evaluated: 2026-08-01. Review status: criteria provided, single submitter. Criteria: CeGaT Center For Human Genetics Tuebingen Variant Classification Criteria Version 2. Collection method: clinical testing. Allele origin: germline. Affected: yes. Observed: 11 variant alleles.
Comment: TMEM70: BS2

Labcorp Genetics (formerly Invitae), Labcorp
Classification: Benign for Mitochondrial complex V (ATP synthase) deficiency, nuclear type 2. Last evaluated: 2026-01-27. Review status: criteria provided, single submitter. Criteria: Invitae Variant Classification Sherloc (09022015). Collection method: clinical testing. Allele origin: germline.

Mayo Clinic Laboratories, Mayo Clinic
Classification: Benign. Last evaluated: 2024-12-23. Review status: criteria provided, single submitter. Criteria: ACMG Guidelines, 2015. Collection method: clinical testing. Allele origin: germline. Observed: 11 variant alleles.
Comment: BS1, BS2

Blueprint Genetics
Classification: Likely benign. Last evaluated: 2024-11-22. Review status: criteria provided, single submitter. Criteria: ACMG Guidelines, 2015. Collection method: clinical testing. Allele origin: germline.

Fulgent Genetics
Classification: Likely benign for Mitochondrial complex V (ATP synthase) deficiency, nuclear type 2. Last evaluated: 2021-08-11. Review status: criteria provided, single submitter. Criteria: ACMG Guidelines, 2015. Collection method: clinical testing. Allele origin: unknown.

Cambridge Genomics Laboratory, East Genomic Laboratory Hub, NHS Genomic Medicine Service
Classification: Uncertain significance for Autosomal recessive disease. Last evaluated: 2019-08-06. Review status: criteria provided, single submitter. Criteria: ACGS Best Practice Guidelines for Variant Classification in Rare Disease 2020. Collection method: clinical testing. Allele origin: germline. Affected: yes. Observed: 1 variant allele.

Illumina Laboratory Services, Illumina
Classification: Likely benign for Mitochondrial complex V (ATP synthase) deficiency, nuclear type 2. Last evaluated: 2018-01-12. Review status: criteria provided, single submitter. Criteria: ICSL Variant Classification Criteria 13 December 2019. Collection method: clinical testing. Allele origin: germline.
Comment: This variant was observed in the ICSL laboratory as part of a predisposition screen in an ostensibly healthy population. It had not been previously curated by ICSL or reported in the Human Gene Mutation Database (HGMD: prior to June 1st, 2018), and was therefore a candidate for classification through an automated scoring system. Utilizing variant allele frequency, disease prevalence and penetrance estimates, and inheritance mode, an automated score was calculated to assess if this variant is too frequent to cause the disease. Based on the score and internal cut-off values, a variant classified as likely benign is not then subjected to further curation. The score for this variant resulted in a classification of likely benign for this disease.

GeneDx
Classification: Benign. Last evaluated: 2013-02-18. Review status: criteria provided, single submitter. Criteria: GeneDx Variant Classification (06012015). Collection method: clinical testing. Allele origin: germline. Affected: yes.
Comment: This variant is considered likely benign or benign based on one or more of the following criteria: it is a conservative change, it occurs at a poorly conserved position in the protein, it is predicted to be benign by multiple in silico algorithms, and/or has population frequency not consistent with disease.

Breakthrough Genomics
Classification: Likely benign. Review status: criteria provided, single submitter. Criteria: ACMG Guidelines, 2015. Collection method: not provided. Allele origin: germline. Inheritance: Autosomal recessive inheritance. Affected: yes.

NM_017866.6(TMEM70):c.211-6C>T

Gene: TMEM70 (transmembrane protein 70; plus strand). Cytogenetic location: 8q21.11.
Variant type: single nucleotide variant.
Coding change: c.211-6C>T on transcript NM_017866.6 (MANE Select); 6 bases into the intron before coding-DNA position 211, C replaced by T.
Molecular consequence: intron variant.
Genome position (GRCh38, 1-based): chr8:73,978,750, C>T. VCF-style: chr8-73978750-C-T. GRCh37 (hg19) VCF-style: chr8-74890985-C-T.
Other names: p.?; c.211-6C>T (NM_001040613.3).
Identifiers: ClinVar variation 137677 (VCV000137677.63), dbSNP rs113669789, ClinGen allele CA291330.